The following is an entry in ClinVar:

NM_006364.4(SEC23A):c.1486G>A (p.Val496Met)

Gene: SEC23A (SEC23 homolog A, COPII coat complex component; minus strand). Cytogenetic location: 14q21.1.
Variant type: single nucleotide variant.
Coding change: c.1486G>A on transcript NM_006364.4 (MANE Select); coding-DNA position 1486, G replaced by A.
Protein change: p.Val496Met; replaces valine 496 with methionine.
Molecular consequence: missense variant.
Genome position (GRCh38, 1-based): chr14:39,061,784, C>T on the plus strand (G>A on the coding strand, the complement: SEC23A is on the minus strand). VCF-style: chr14-39061784-C-T. GRCh37 (hg19) VCF-style: chr14-39530988-C-T.
Other names: short protein forms V496M.
Identifiers: ClinVar variation 1307957 (VCV001307957.2), dbSNP rs763939038, ClinGen allele CA7161828.

ClinVar aggregate classification (germline): Uncertain significance (1 of 4 stars; one submission).

Allele frequency attached by ClinVar (database versions not stated): gnomAD exomes 0.00001; ExAC 0.00002.
gnomAD v4.1: 12 of 1,612,260 alleles (0.00074%); highest among the groups gnomAD compares: South Asian, 0.013%; 1 homozygote.

Submission:

GeneDx
Classification: Uncertain significance. Last evaluated: 2020-08-04. Review status: criteria provided, single submitter. Criteria: GeneDx Variant Classification Process June 2021. Collection method: clinical testing. Allele origin: germline. Affected: yes.
Comment: Not observed at a significant frequency in large population cohorts (Lek et al., 2016); In silico analysis supports that this missense variant has a deleterious effect on protein structure/function; Has not been previously published as pathogenic or benign to our knowledge